The following is an entry in ClinVar:

ClinVar aggregate classification (germline): Uncertain significance (1 of 4 stars; one submission).

gnomAD v4.1: 11 of 1,597,436 alleles (0.00069%); highest among the groups gnomAD compares: East Asian, 0.023%; no homozygotes.

Submission:

Labcorp Genetics (formerly Invitae), Labcorp
Classification: Uncertain significance. Last evaluated: 2025-06-03. Review status: criteria provided, single submitter. Criteria: Invitae Variant Classification Sherloc (09022015). Collection method: clinical testing. Allele origin: germline.
Comment: This sequence change replaces glutamic acid, which is acidic and polar, with aspartic acid, which is acidic and polar, at codon 1137 of the STAG1 protein (p.Glu1137Asp). The frequency data for this variant in the population databases is considered unreliable, as metrics indicate poor data quality at this position in the gnomAD database. This variant has not been reported in the literature in individuals affected with STAG1-related conditions. Invitae Evidence Modeling of protein sequence and biophysical properties (such as structural, functional, and spatial information, amino acid conservation, physicochemical variation, residue mobility, and thermodynamic stability) indicates that this missense variant is not expected to disrupt STAG1 protein function with a negative predictive value of 95%. In summary, the available evidence is currently insufficient to determine the role of this variant in disease. Therefore, it has been classified as a Variant of Uncertain Significance.

NM_005862.3(STAG1):c.3411G>T (p.Glu1137Asp)

Gene: STAG1 (STAG1 cohesin complex component; minus strand). Cytogenetic location: 3q22.3.
Variant type: single nucleotide variant.
Coding change: c.3411G>T on transcript NM_005862.3 (MANE Select); coding-DNA position 3411, G replaced by T.
Protein change: p.Glu1137Asp; replaces glutamic acid 1137 with aspartic acid.
Molecular consequence: missense variant.
Genome position (GRCh38, 1-based): chr3:136,343,867, C>A on the plus strand (G>T on the coding strand, the complement: STAG1 is on the minus strand). VCF-style: chr3-136343867-C-A. GRCh37 (hg19) VCF-style: chr3-136062709-C-A.
Other names: short protein forms E1137D.
Identifiers: ClinVar variation 4753022 (VCV004753022.1).